The following is an entry in ClinVar:

ClinVar aggregate classification (germline): Uncertain significance (1 of 4 stars; one submission).

Allele frequency attached by ClinVar (database versions not stated): ExAC 0.00001; gnomAD exomes 0.00001 and 0.00002; gnomAD 0.00007 and 0.00010; TOPMed 0.00009.

Submission:

Labcorp Genetics (formerly Invitae), Labcorp
Classification: Uncertain significance. Last evaluated: 2022-02-17. Review status: criteria provided, single submitter. Criteria: Invitae Variant Classification Sherloc (09022015). Collection method: clinical testing. Allele origin: germline.
Comment: In summary, the available evidence is currently insufficient to determine the role of this variant in disease. Therefore, it has been classified as a Variant of Uncertain Significance. Algorithms developed to predict the effect of missense changes on protein structure and function output the following: SIFT: "Tolerated"; PolyPhen-2: "Benign"; Align-GVGD: "Class C0". The isoleucine amino acid residue is found in multiple mammalian species, which suggests that this missense change does not adversely affect protein function. ClinVar contains an entry for this variant (Variation ID: 1002923). This variant has not been reported in the literature in individuals affected with VCAN-related conditions. This variant is present in population databases (rs748634522, gnomAD 0.04%). This sequence change replaces methionine, which is neutral and non-polar, with isoleucine, which is neutral and non-polar, at codon 1165 of the VCAN protein (p.Met1165Ile).

NM_004385.5(VCAN):c.3495G>A (p.Met1165Ile)

Gene: VCAN (versican; plus strand). Cytogenetic location: 5q14.3.
Variant type: single nucleotide variant.
Coding change: c.3495G>A on transcript NM_004385.5 (MANE Select); coding-DNA position 3495, G replaced by A.
Protein change: p.Met1165Ile; replaces methionine 1165 with isoleucine.
Molecular consequence: missense variant. On other transcripts: intron variant (2).
Genome position (GRCh38, 1-based): chr5:83,521,801, G>A. VCF-style: chr5-83521801-G-A. GRCh37 (hg19) VCF-style: chr5-82817620-G-A.
Other names: c.3495G>A, p.Met1165Ile (NM_001164098.2); c.1042+9405G>A (NM_001164097.2, NM_001126336.3); short protein forms M1165I.
Identifiers: ClinVar variation 1002923 (VCV001002923.10), dbSNP rs748634522, ClinGen allele CA3333017.